The following is an entry in ClinVar:

ClinVar aggregate classification (germline): Uncertain significance (1 of 4 stars; one submission).

Allele frequency attached by ClinVar (database versions not stated): gnomAD exomes below 0.00001.
gnomAD v4.1: 2 of 1,614,220 alleles (0.00012%); highest among the groups gnomAD compares: African/African-American, 0.0013%; no homozygotes.

Submission:

Labcorp Genetics (formerly Invitae), Labcorp
Classification: Uncertain significance. Last evaluated: 2023-10-20. Review status: criteria provided, single submitter. Criteria: Invitae Variant Classification Sherloc (09022015). Collection method: clinical testing. Allele origin: germline.
Comment: This sequence change replaces histidine, which is basic and polar, with tyrosine, which is neutral and polar, at codon 168 of the EFEMP1 protein (p.His168Tyr). This variant is present in population databases (no rsID available, gnomAD 0.0009%). This variant has not been reported in the literature in individuals affected with EFEMP1-related conditions. Advanced modeling of protein sequence and biophysical properties (such as structural, functional, and spatial information, amino acid conservation, physicochemical variation, residue mobility, and thermodynamic stability) performed at Invitae indicates that this missense variant is not expected to disrupt EFEMP1 protein function. In summary, the available evidence is currently insufficient to determine the role of this variant in disease. Therefore, it has been classified as a Variant of Uncertain Significance.

NM_001039348.3(EFEMP1):c.502C>T (p.His168Tyr)

Gene: EFEMP1 (EGF-like fibulin extracellular matrix protein 1; minus strand). Cytogenetic location: 2p16.1.
Variant type: single nucleotide variant.
Coding change: c.502C>T on transcript NM_001039348.3 (MANE Select); coding-DNA position 502, C replaced by T.
Protein change: p.His168Tyr; replaces histidine 168 with tyrosine.
Molecular consequence: missense variant.
Genome position (GRCh38, 1-based): chr2:55,917,680, G>A on the plus strand (C>T on the coding strand, the complement: EFEMP1 is on the minus strand). VCF-style: chr2-55917680-G-A. GRCh37 (hg19) VCF-style: chr2-56144815-G-A.
Other names: c.502C>T, p.His168Tyr (NM_001039349.3); short protein forms H168Y.
Identifiers: ClinVar variation 2725515 (VCV002725515.3), dbSNP rs1284659196, ClinGen allele CA347026320.